The following is an entry in ClinVar:

NM_006648.4(WNK2):c.164C>G (p.Pro55Arg)

Gene: WNK2 (WNK lysine deficient protein kinase 2; plus strand). Cytogenetic location: 9q22.31.
Variant type: single nucleotide variant.
Coding change: c.164C>G on transcript NM_006648.4 (MANE Select); coding-DNA position 164, C replaced by G.
Protein change: p.Pro55Arg; replaces proline 55 with arginine.
Molecular consequence: missense variant.
Genome position (GRCh38, 1-based): chr9:93,185,093, C>G. VCF-style: chr9-93185093-C-G. GRCh37 (hg19) VCF-style: chr9-95947375-C-G.
Other names: c.164C>G, p.Pro55Arg (NM_001282394.3); short protein forms P55R.
Identifiers: ClinVar variation 4201558 (VCV004201558.1).

ClinVar aggregate classification (germline): Uncertain significance (1 of 4 stars; one submission).

Submission:

Ambry Genetics
Classification: Uncertain significance. Last evaluated: 2025-06-25. Review status: criteria provided, single submitter. Criteria: Ambry Variant Classification Scheme 2023. Collection method: clinical testing. Allele origin: germline.
Comment: The p.P55R variant (also known as c.164C>G), located in coding exon 1 of the WNK2 gene, results from a C to G substitution at nucleotide position 164. The proline at codon 55 is replaced by arginine, an amino acid with dissimilar properties. This amino acid position is conserved. In addition, this alteration is predicted to be tolerated by in silico analysis. Based on the available evidence, the clinical significance of this variant remains unclear.